The following is an entry in ClinVar:

NM_002181.4(IHH):c.382C>T (p.Arg128Trp)

Gene: IHH (Indian hedgehog signaling molecule; minus strand). Cytogenetic location: 2q35.
Variant type: single nucleotide variant.
Coding change: c.382C>T on transcript NM_002181.4 (MANE Select); coding-DNA position 382, C replaced by T.
Protein change: p.Arg128Trp; replaces arginine 128 with tryptophan.
Molecular consequence: missense variant.
Genome position (GRCh38, 1-based): chr2:219,057,628, G>A on the plus strand (C>T on the coding strand, the complement: IHH is on the minus strand). VCF-style: chr2-219057628-G-A. GRCh37 (hg19) VCF-style: chr2-219922350-G-A.
Other names: short protein forms R128W.
Identifiers: ClinVar variation 3068543 (VCV003068543.1), dbSNP rs1948842640, ClinGen allele CA350635628.

ClinVar aggregate classification (germline): Uncertain significance (1 of 4 stars; one submission).

Conditions:
Brachydactyly. Also called: Brachydactyly syndrome; Brachydactyly (disease). Identifiers: MedGen C0221357, MONDO:0021004, HP:0001156.

Submission:

Molecular Genetics, Royal Melbourne Hospital
Classification: Uncertain significance for Brachydactyly. Last evaluated: 2024-01-05. Review status: criteria provided, single submitter. Criteria: ACMG Guidelines, 2015. Collection method: clinical testing. Allele origin: germline. Inheritance: Autosomal dominant inheritance. Affected: yes.
Comment: This sequence change in IHH is predicted to replace arginine with tryptophan at codon 128, p.(Arg128Trp). The arginine residue is highly conserved (100 vertebrates, UCSC) and not located in an annotated domain. There is a large physicochemical difference between arginine and tryptophan. This variant is absent from the population database gnomAD v2.1 and v3.1. To our knowledge, this variant is novel and has not been previously reported in the relevant scientific literature or databases. Computational evidence predicts a deleterious effect for the missense substitution (REVEL = 0.956). Based on the classification scheme RMH Modified ACMG/AMP Guidelines v1.6.1, this variant is classified as a VARIANT OF UNCERTAIN SIGNIFICANCE. Following criteria are met: PM2_Supporting, PP3_Moderate